The following continues an entry in ClinVar:

NM_000372.5(TYR):c.1205G>A (p.Arg402Gln)

Gene: TYR. ClinVar aggregate classification (germline): Conflicting classifications of pathogenicity; other. Pathogenic (2); Likely pathogenic (1); Uncertain significance (10); Benign (2); Likely benign (2).

Submissions 26 to 29 of 29:

Department of Pathology and Laboratory Medicine, Sinai Health System
Classification: Benign for Oculocutaneous albinism type 1A. Review status: no assertion criteria provided. Collection method: clinical testing. Allele origin: unknown. Affected: yes. Study: The Canadian Open Genetics Repository (COGR). Not counted in ClinVar's aggregate classification.
Comment: The variant TYR:c.1205G>A (p.Arg402Gln) was identified in dbSNP (ID: rs1126809) and ClinVar. The variant was identified in ClinVar with conflicting classifications (classified as pathogenic by OMIM, classified as likely pathogenic by the Centre for Mendelian Genomics, classified as uncertain significance by EGL Genetic Diagnostics, classified as likely benign by Illumina Clinical Services Laboratory, classified as benign by GeneReviews and PreventionGenetics). In one study, 122 patients had one pathogenic variant of the TYR gene and the p.Arg402Gln variant within a cohort of 268 patients diagnosed with oculocutaneous albinism type 1 (OCA1), emphasizing in favour of p.Arg402Gln being a mildly pathogenic TYR variant when associated in trans with another pathogenic variant (Monferme_2018_30472657). In another study, 2 patients in a cohort of 12 presenting with autosomal recessive ocular albinism (AROA) were each a compound heterozygote for a different pathologic mutant allele and an allele containing a â€šÃ„Ã²normalâ€šÃ„Ã´ polymorphism, Arg402Gln. In these patients, AROA thus appears to represent a clinically mild form of OCA1 (Fukai_1995_7704033). Another study involving the clinical diagnosis of 30 Iranian OCA1 patients detected 6 patients with the heterozygous p.Arg402Gln variant, with two of those patients heterozygous for one other reported missense mutation in the TYR gene (Kalahroudi_2014_ 25216246). In another cohort with 18 probands categorized as having hypomorphic albinism, 6 had inherited the p.Arg402Gln variant in addition to another common TYR variant, p.Ser192Tyr (Norman_2017_28667292). The variant was identified in control databases in 49,703 of 281,606 chromosomes (5,932 homozygous) at a frequency of 17.6498%, and was observed at the highest frequency in the European-Non Finnish (NFE) population in 3501 of 128,366 chromosomes (freq: 4,795) (Genome Aggregation Database March 6, 2019, v2.1.1). TheÂ¬â€ p.Arg402GlnÂ¬â€ residue is conserved in mammals and computational analyses (MUT Assesor, PolyPhen-2, SIFT, MutationTaster, Revel, FATHMM, MetaLR, DANN) provide inconsistent predictions regarding the impact to the protein; this information is not very predictive of pathogenicity. The variant occurs outside of the splicing consensus sequence and in silico or computational prediction software programs (Splice AI exome) do not predict a deleterious effect on splicing. In summary, based on the above information this variant meets our laboratory's criteria to be classified as benign.

GeneReviews
No classification provided. Condition: Oculocutaneous albinism type 1B. Review status: no classification provided. Collection method: literature only. Allele origin: unknown. Not counted in ClinVar's aggregate classification.

Retina International
No classification provided. Review status: no classification provided. Collection method: not provided. Allele origin: unknown. Not counted in ClinVar's aggregate classification.

Centre for Mendelian Genomics, University Medical Centre Ljubljana
Classification: Likely pathogenic for Abnormality of metabolism/homeostasis; Albinism; Choroidal neovascularization; Elevated circulating hepatic transaminase concentration; Foveal hypoplasia; Slow decrease in visual acuity. Last evaluated: 2017-01-01. Review status: flagged submission. Criteria: ACMG Guidelines, 2015. Collection method: clinical testing. Allele origin: unknown. Affected: yes. Not counted in ClinVar's aggregate classification.
ClinVar note: Reason: Older claim that does not account for recent evidence

Literature cited by the submitters: PubMed 15146472 (cited by 3billion); PubMed 35803923 (cited by Women's Health and Genetics/Laboratory Corporation of America, LabCorp); PubMed 30472657 (cited by Women's Health and Genetics/Laboratory Corporation of America, LabCorp); PubMed 1429711 (cited by Eurofins Ntd Llc (ga)); PubMed 1820207 (cited by Eurofins Ntd Llc (ga)); PubMed 18326704 (cited by 3 submitters); PubMed 19208379 (cited by 3 submitters); PubMed 19533789 (cited by 3 submitters); PubMed 21541274 (cited by Eurofins Ntd Llc (ga)); PubMed 23504663 (cited by Eurofins Ntd Llc (ga) and OMIM); PubMed 25216246 (cited by Eurofins Ntd Llc (ga)); PubMed 7704033 (cited by 3 submitters); PubMed 18925668 (cited by Molecular Vision Laboratory and OMIM); PubMed 9158138 (cited by OMIM); PubMed 666627 (cited by OMIM); King, R. A., Townsend, D., Oetting, W. S., Spritz, R. A. An unusual pigment pattern in type I oculocutaneous albinism (OCA) resulting from a temperature-sensitive enzyme. (Abstract) Am. J. Hum. Genet. 45 (suppl.): A8, 1989. (cited by OMIM); PubMed 10766867 (cited by OMIM); PubMed 17952075 (cited by OMIM); PubMed 18488028 (cited by OMIM); PubMed 18488027 (cited by OMIM); PubMed 20301345 (cited by GeneReviews); NCBI Bookshelf NBK1166 (cited by GeneReviews).